The following is an entry in ClinVar:

NM_000981.4(RPL19):c.1A>T (p.Met1Leu)

Gene: RPL19 (ribosomal protein L19; plus strand). Cytogenetic location: 17q12.
Variant type: single nucleotide variant.
Coding change: c.1A>T on transcript NM_000981.4 (MANE Select); coding-DNA position 1, A replaced by T.
Protein change: p.Met1Leu; changes the start codon (methionine 1).
Molecular consequence: missense variant, initiator codon variant. On other transcripts: 5 prime UTR variant (1).
Genome position (GRCh38, 1-based): chr17:39,200,345, A>T. VCF-style: chr17-39200345-A-T. GRCh37 (hg19) VCF-style: chr17-37356598-A-T.
Other names: c.-400A>T (NM_001330200.1); short protein forms M1L.
Identifiers: ClinVar variation 2888625 (VCV002888625.3), dbSNP rs772102623, ClinGen allele CA398832503.

ClinVar aggregate classification (germline): Uncertain significance (1 of 4 stars; one submission).

Submission:

Labcorp Genetics (formerly Invitae), Labcorp
Classification: Uncertain significance. Last evaluated: 2023-03-17. Review status: criteria provided, single submitter. Criteria: Invitae Variant Classification Sherloc (09022015). Collection method: clinical testing. Allele origin: germline.
Comment: Experimental studies and prediction algorithms are not available or were not evaluated, and the functional significance of this variant is currently unknown. This variant has not been reported in the literature in individuals affected with RPL19-related conditions. This variant is not present in population databases (gnomAD no frequency). This sequence change affects the initiator methionine of the RPL19 mRNA. The next in-frame methionine is located at codon 3. In summary, the available evidence is currently insufficient to determine the role of this variant in disease. Therefore, it has been classified as a Variant of Uncertain Significance.